The following is an entry in ClinVar:

ClinVar aggregate classification (germline): Uncertain significance (1 of 4 stars; one submission).

gnomAD v4.1: 3 of 1,613,592 alleles (0.00019%); highest among the groups gnomAD compares: Middle Eastern, 0.016%; no homozygotes.

Submission:

Labcorp Genetics (formerly Invitae), Labcorp
Classification: Uncertain significance. Last evaluated: 2025-02-24. Review status: criteria provided, single submitter. Criteria: Invitae Variant Classification Sherloc (09022015). Collection method: clinical testing. Allele origin: germline.
Comment: This sequence change replaces proline, which is neutral and non-polar, with serine, which is neutral and polar, at codon 1102 of the IGF1R protein (p.Pro1102Ser). This variant is not present in population databases (gnomAD no frequency). This variant has not been reported in the literature in individuals affected with IGF1R-related conditions. ClinVar contains an entry for this variant (Variation ID: 2101821). Invitae Evidence Modeling of protein sequence and biophysical properties (such as structural, functional, and spatial information, amino acid conservation, physicochemical variation, residue mobility, and thermodynamic stability) indicates that this missense variant is not expected to disrupt IGF1R protein function with a negative predictive value of 80%. In summary, the available evidence is currently insufficient to determine the role of this variant in disease. Therefore, it has been classified as a Variant of Uncertain Significance.

NM_000875.5(IGF1R):c.3304C>T (p.Pro1102Ser)

Gene: IGF1R (insulin like growth factor 1 receptor; plus strand). Cytogenetic location: 15q26.3.
Variant type: single nucleotide variant.
Coding change: c.3304C>T on transcript NM_000875.5 (MANE Select); coding-DNA position 3304, C replaced by T.
Protein change: p.Pro1102Ser; replaces proline 1102 with serine.
Molecular consequence: missense variant.
Genome position (GRCh38, 1-based): chr15:98,939,207, C>T. VCF-style: chr15-98939207-C-T. GRCh37 (hg19) VCF-style: chr15-99482436-C-T.
Other names: c.3301C>T, p.Pro1101Ser (NM_001291858.2); short protein forms P1101S, P1102S.
Identifiers: ClinVar variation 2101821 (VCV002101821.4), dbSNP rs924115395, ClinGen allele CA393659720.